The following is an entry in ClinVar:

ClinVar aggregate classification (germline): Uncertain significance. Review status: criteria provided, multiple submitters, no conflicts (2 of 4 stars). 2 submissions from 2 submitters: Uncertain significance (2). Last evaluated 2023-06-17.

Conditions:
Pseudohypoaldosteronism type 2C (PHA2C). Also called: Pseudohypoaldosteronism Type IIC. Identifiers: Orphanet 757, Orphanet 88940, MedGen C1840391, MONDO:0013778, OMIM 614492.
Neuropathy, hereditary sensory and autonomic, type 2A (HSAN2A). Also called: ACROOSTEOLYSIS, GIACCAI TYPE; ACROOSTEOLYSIS, NEUROGENIC; MORVAN DISEASE; NEUROPATHY, CONGENITAL SENSORY; NEUROPATHY, HEREDITARY SENSORY RADICULAR, AUTOSOMAL RECESSIVE; HSAN IIA. Identifiers: Orphanet 970, MedGen C2752089, MONDO:0024309, OMIM 201300.
Inborn genetic diseases. Identifiers: MedGen C0950123, MeSH D030342.

Allele frequency attached by ClinVar (database versions not stated): gnomAD exomes below 0.00001.
gnomAD v4.1: 3 of 1,613,876 alleles (0.00019%); highest among the groups gnomAD compares: Middle Eastern, 0.016%; no homozygotes.

Submissions (2):

Labcorp Genetics (formerly Invitae), Labcorp
Classification: Uncertain significance for Neuropathy, hereditary sensory and autonomic, type 2A; Pseudohypoaldosteronism type 2C. Last evaluated: 2023-06-17. Review status: criteria provided, single submitter. Criteria: Invitae Variant Classification Sherloc (09022015). Collection method: clinical testing. Allele origin: germline.
Comment: This variant has not been reported in the literature in individuals affected with WNK1-related conditions. This variant is not present in population databases (gnomAD no frequency). This sequence change replaces alanine, which is neutral and non-polar, with glycine, which is neutral and non-polar, at codon 1022 of the WNK1 protein (p.Ala1022Gly). ClinVar contains an entry for this variant (Variation ID: 1799417). In summary, the available evidence is currently insufficient to determine the role of this variant in disease. Therefore, it has been classified as a Variant of Uncertain Significance. Advanced modeling of protein sequence and biophysical properties (such as structural, functional, and spatial information, amino acid conservation, physicochemical variation, residue mobility, and thermodynamic stability) performed at Invitae indicates that this missense variant is not expected to disrupt WNK1 protein function.

Ambry Genetics
Classification: Uncertain significance for Inborn genetic diseases. Last evaluated: 2020-03-20. Review status: criteria provided, single submitter. Criteria: Ambry Variant Classification Scheme 2023. Collection method: clinical testing. Allele origin: germline.
Comment: The p.A1022G variant (also known as c.3065C>G), located in coding exon 10 of the WNK1 gene, results from a C to G substitution at nucleotide position 3065. The alanine at codon 1022 is replaced by glycine, an amino acid with similar properties. This amino acid position is well conserved in available vertebrate species. In addition, this alteration is predicted to be tolerated by in silico analysis. Since supporting evidence is limited at this time, the clinical significance of this alteration remains unclear.

NM_213655.5(WNK1):c.3065C>G (p.Ala1022Gly)

Gene: WNK1 (WNK lysine deficient protein kinase 1; plus strand). Cytogenetic location: 12p13.33.
Variant type: single nucleotide variant.
Coding change: c.3065C>G on transcript NM_213655.5 (MANE Plus Clinical); coding-DNA position 3065, C replaced by G.
Protein change: p.Ala1022Gly; replaces alanine 1022 with glycine.
Molecular consequence: missense variant. On other transcripts: intron variant (2).
Genome position (GRCh38, 1-based): chr12:868,536, C>G. VCF-style: chr12-868536-C-G. GRCh37 (hg19) VCF-style: chr12-977702-C-G.
Other names: c.2810C>G, p.Ala937Gly (NM_001184985.2); c.2140-2729C>G (NM_018979.4, NM_014823.3); short protein forms A1022G, A937G.
Identifiers: ClinVar variation 1799417 (VCV001799417.5), dbSNP rs2548795685, ClinGen allele CA383340194.